The following is an entry in ClinVar:

ClinVar aggregate classification (germline): Benign/Likely benign. Review status: criteria provided, multiple submitters, no conflicts (2 of 4 stars). 9 submissions from 7 submitters: Benign (2); Likely benign (3). 4 of the submissions do not count toward it. Last evaluated 2026-02-04.

Conditions:
Amyotrophic lateral sclerosis type 5 (ALS5). Also called: AMYOTROPHIC LATERAL SCLEROSIS 5, JUVENILE. Identifiers: Orphanet 300605, MedGen C1865864, MONDO:0011196, OMIM 602099.
Charcot-Marie-Tooth disease axonal type 2X. Also called: CHARCOT-MARIE-TOOTH DISEASE, AXONAL, AUTOSOMAL RECESSIVE, TYPE 2X; CHARCOT-MARIE-TOOTH NEUROPATHY, TYPE 2X. Identifiers: Orphanet 466775, MedGen C5569024, MONDO:0014726, OMIM 616668.
Hereditary spastic paraplegia 11. Also called: SPASTIC PARAPLEGIA, AUTOSOMAL RECESSIVE, COMPLICATED, WITH THIN CORPUS CALLOSUM; SPASTIC PARAPLEGIA, AUTOSOMAL RECESSIVE, WITH MENTAL IMPAIRMENT AND THIN CORPUS CALLOSUM; Nakamura Osame syndrome; Autosomal recessive hereditary spastic paraplegia, mental impairment, and thin corpus callosum; Spastic paraplegia, mental retardation and thin corpus callosum; Spastic Paraplegia 11. Identifiers: Orphanet 2822, MedGen C1858479, MONDO:0011445, OMIM 604360.

Submissions (12):

Labcorp Genetics (formerly Invitae), Labcorp
Classification: Benign for Hereditary spastic paraplegia 11. Last evaluated: 2026-02-04. Review status: criteria provided, single submitter. Criteria: Invitae Variant Classification Sherloc (09022015). Collection method: clinical testing. Allele origin: germline.

GeneDx
Classification: Benign. Last evaluated: 2018-02-23. Review status: criteria provided, single submitter. Criteria: GeneDx Variant Classification (06012015). Collection method: clinical testing. Allele origin: germline. Affected: yes.
Comment: This variant is considered likely benign or benign based on one or more of the following criteria: it is a conservative change, it occurs at a poorly conserved position in the protein, it is predicted to be benign by multiple in silico algorithms, and/or has population frequency not consistent with disease.

Genome-Nilou Lab
Classification: Likely benign for Amyotrophic lateral sclerosis type 5. Review status: criteria provided, single submitter. Criteria: ACMG Guidelines, 2015. Collection method: clinical testing. Allele origin: germline.

Genome-Nilou Lab
Classification: Likely benign for Charcot-Marie-Tooth disease axonal type 2X. Review status: criteria provided, single submitter. Criteria: ACMG Guidelines, 2015. Collection method: clinical testing. Allele origin: germline.

Genome-Nilou Lab
Classification: Likely benign for Hereditary spastic paraplegia 11. Review status: criteria provided, single submitter. Criteria: ACMG Guidelines, 2015. Collection method: clinical testing. Allele origin: germline.

Clinical Genetics, Academic Medical Center
Classification: Benign. Review status: no assertion criteria provided. Collection method: clinical testing. Allele origin: germline. Affected: yes. Study: VKGL Data-share Consensus. Not counted in ClinVar's aggregate classification.

Diagnostic Laboratory, Department of Genetics, University Medical Center Groningen
Classification: Benign. Review status: no assertion criteria provided. Collection method: clinical testing. Allele origin: germline. Affected: yes. Study: VKGL Data-share Consensus. Not counted in ClinVar's aggregate classification.

Dr. Peter K. Rogan Lab, Western University
No classification provided (evidence only). Condition: Nonpapillary renal cell carcinoma. Review status: no classification provided. Collection method: in vitro. Allele origin: not applicable. Functional consequence: retained intron. Not counted in ClinVar's aggregate classification.

Dr. Peter K. Rogan Lab, Western University
No classification provided (evidence only). Condition: Malignant tumor of esophagus. Review status: no classification provided. Collection method: in vitro. Allele origin: not applicable. Functional consequence: retained intron. Not counted in ClinVar's aggregate classification.

Dr. Peter K. Rogan Lab, Western University
No classification provided (evidence only). Condition: Hepatocellular carcinoma. Review status: no classification provided. Collection method: in vitro. Allele origin: not applicable. Functional consequence: retained intron. Not counted in ClinVar's aggregate classification.

Genome Diagnostics Laboratory, Amsterdam University Medical Center
Classification: Benign. Review status: no assertion criteria provided. Collection method: clinical testing. Allele origin: germline. Affected: yes. Study: VKGL Data-share Consensus. Not counted in ClinVar's aggregate classification.

Genome Diagnostics Laboratory, University Medical Center Utrecht
Classification: Benign. Review status: no assertion criteria provided. Collection method: clinical testing. Allele origin: germline. Affected: yes. Study: VKGL Data-share Consensus. Not counted in ClinVar's aggregate classification.

NM_025137.4(SPG11):c.6755-17_6755-15del

Gene: SPG11 (SPG11 vesicle trafficking associated, spatacsin; minus strand). Cytogenetic location: 15q21.1.
Variant type: Microsatellite.
Coding change: c.6755-17_6755-15del on transcript NM_025137.4 (MANE Select); 17 bases into the intron before coding-DNA position 6755 through 15 bases into the intron before coding-DNA position 6755, 3 bases deleted (CTT; older notation c.6755-17_6755-15delCTT).
Molecular consequence: intron variant.
Genome position (GRCh38, 1-based): chr15:44,566,320-44,566,322, AAG deleted on the plus strand (CTT on the coding strand, the reverse complement: SPG11 is on the minus strand); deleting any 3 consecutive bases within chr15:44,566,320-44,566,326 gives the same sequence; the c. name uses the placement nearest the transcript's 3' end. VCF-style (leftmost placement, unchanged base first): chr15-44566319-AAAG-A. GRCh37 (hg19) VCF-style: chr15-44858517-AAAG-A.
Other names: NC_000015.9:g.44858522_44858524del; c.6755-17_6755-15delCTT (NM_025137.3); c.6416-17_6416-15del (NM_001160227.2); c.6755-21_6755-19del (NM_025137.4).
Identifiers: ClinVar variation 316079 (VCV000316079.22), dbSNP rs143026515, ClinGen allele CA7534014.
Genomic context (GRCh38, chr15:44,566,319, plus strand): 5'-CTTCAGCAGCAGTTGTTTCAGCTGGTGCCCATCCTTGAGGCTGTCCTCTGTAGGGGAAAT[AAAG>A]AAGATTTGCCGAGTCTGACTCCCAAAGCTCACTGTTCTCATCCCACTCATTGTGATCGTG-3'